The following is an entry in ClinVar:

NM_001017995.3(SH3PXD2B):c.844C>T (p.Pro282Ser)

Gene: SH3PXD2B (SH3 and PX domains 2B; minus strand). Cytogenetic location: 5q35.1.
Variant type: single nucleotide variant.
Coding change: c.844C>T on transcript NM_001017995.3 (MANE Select); coding-DNA position 844, C replaced by T.
Protein change: p.Pro282Ser; replaces proline 282 with serine.
Molecular consequence: missense variant.
Genome position (GRCh38, 1-based): chr5:172,350,531, G>A on the plus strand (C>T on the coding strand, the complement: SH3PXD2B is on the minus strand). VCF-style: chr5-172350531-G-A. GRCh37 (hg19) VCF-style: chr5-171777535-G-A.
Other names: c.844C>T, p.Pro282Ser (NM_001308175.2); short protein forms P282S.
Identifiers: ClinVar variation 4086726 (VCV004086726.1).
Genomic context (GRCh38, chr5:172,350,531, plus strand): 5'-CATCCAAGTCAAGGGCACCCGGGTGGGAGGGTGAGCCAGGGCCTGGCTTCGGGGGCAAGG[G>A]CTCCCCACTGTTCTTCTTTAGGTAGGAGGCGGGGGCCCAGCCTTCTTTGCCCTGGTACCT-3'
Protein context (NP_001017995.1, residues 272-292): ASYLKKNSGE[Pro282Ser]LPPKPGPGSP

ClinVar aggregate classification (germline): Uncertain significance (1 of 4 stars; one submission).

Submission:

GeneDx
Classification: Uncertain significance. Last evaluated: 2025-03-19. Review status: criteria provided, single submitter. Criteria: GeneDx Variant Classification Process June 2021. Collection method: clinical testing. Allele origin: germline. Affected: yes.
Comment: Not observed at significant frequency in large population cohorts (gnomAD); In silico analysis indicates that this missense variant does not alter protein structure/function; Has not been previously published as pathogenic or benign to our knowledge